The following is an entry in ClinVar:

NM_000543.5(SMPD1):c.106G>T (p.Val36Leu)

Gene: SMPD1 (sphingomyelin phosphodiesterase 1; plus strand). Cytogenetic location: 11p15.4.
Variant type: single nucleotide variant.
Coding change: c.106G>T on transcript NM_000543.5 (MANE Select); coding-DNA position 106, G replaced by T.
Protein change: p.Val36Leu; replaces valine 36 with leucine.
Molecular consequence: missense variant. On other transcripts: 5 prime UTR variant (1), non-coding transcript variant (2).
Genome position (GRCh38, 1-based): chr11:6,390,704, G>T. VCF-style: chr11-6390704-G-T. GRCh37 (hg19) VCF-style: chr11-6411934-G-T.
Other names: c.106G>T, p.Val36Leu (NM_001007593.3, NM_001318087.2, NM_001365135.2); c.-856G>T (NM_001318088.2); c.106G>T (NM_000543.4); short protein forms V36L.
Identifiers: ClinVar variation 2179174 (VCV002179174.2), dbSNP rs141685473, ClinGen allele CA217298983.

ClinVar aggregate classification (germline): Uncertain significance. Review status: criteria provided, multiple submitters, no conflicts (2 of 4 stars). 2 submissions from 2 submitters: Uncertain significance (2). Last evaluated 2025-08-13.

Conditions:
Inborn genetic diseases. Identifiers: MedGen C0950123, MeSH D030342.
Niemann-Pick disease, type A. Also called: SPHINGOMYELIN LIPIDOSIS; SPHINGOMYELINASE DEFICIENCY; Infantile Neurovisceral ASMD (Niemann-Pick Disease Type A; NPD-A). Identifiers: Orphanet 77292, MedGen C0268242, MONDO:0009756, OMIM 257200. Disease mechanism: loss of function.
Niemann-Pick disease, type B. Also called: Chronic Visceral ASMD (Niemann-Pick Disease Type B; NPD-B). Identifiers: Orphanet 77293, MedGen C0268243, MONDO:0011871, OMIM 607616. Disease mechanism: loss of function.

Allele frequency attached by ClinVar (database versions not stated): gnomAD 0.00001; ESP Exome Variant Server 0.00008.

Submissions (2):

Ambry Genetics
Classification: Uncertain significance for Inborn genetic diseases. Last evaluated: 2025-08-13. Review status: criteria provided, single submitter. Criteria: Ambry Variant Classification Scheme 2023. Collection method: clinical testing. Allele origin: germline.

Labcorp Genetics (formerly Invitae), Labcorp
Classification: Uncertain significance for Niemann-Pick disease, type B; Niemann-Pick disease, type A. Last evaluated: 2022-03-04. Review status: criteria provided, single submitter. Criteria: Invitae Variant Classification Sherloc (09022015). Collection method: clinical testing. Allele origin: germline.
Comment: This sequence change replaces valine, which is neutral and non-polar, with leucine, which is neutral and non-polar, at codon 36 of the SMPD1 protein (p.Val36Leu). This variant is present in population databases (rs141685473, gnomAD 0.005%). This variant has not been reported in the literature in individuals affected with SMPD1-related conditions. Advanced modeling of protein sequence and biophysical properties (such as structural, functional, and spatial information, amino acid conservation, physicochemical variation, residue mobility, and thermodynamic stability) performed at Invitae indicates that this missense variant is not expected to disrupt SMPD1 protein function. In summary, the available evidence is currently insufficient to determine the role of this variant in disease. Therefore, it has been classified as a Variant of Uncertain Significance.